The following is an entry in ClinVar:

NM_005012.4(ROR1):c.16C>A (p.Arg6Ser)

Gene: ROR1 (ROR family WNT receptor 1; plus strand). Cytogenetic location: 1p31.3.
Variant type: single nucleotide variant.
Coding change: c.16C>A on transcript NM_005012.4 (MANE Select); coding-DNA position 16, C replaced by A.
Protein change: p.Arg6Ser; replaces arginine 6 with serine.
Molecular consequence: missense variant.
Genome position (GRCh38, 1-based): chr1:63,774,433, C>A. VCF-style: chr1-63774433-C-A. GRCh37 (hg19) VCF-style: chr1-64240104-C-A.
Other names: c.16C>A (NM_005012.3, NM_005012.2); c.16C>A, p.Arg6Ser (NM_001083592.2); short protein forms R6S.
Identifiers: ClinVar variation 2964495 (VCV002964495.5), dbSNP rs1205371508, ClinGen allele CA340711500.

ClinVar aggregate classification (germline): Uncertain significance. Review status: criteria provided, multiple submitters, no conflicts (2 of 4 stars). 3 submissions from 3 submitters: Uncertain significance (3). Last evaluated 2026-07-28.

Conditions:
ROR1-related disorder. Also called: ROR1-related condition.

Allele frequency attached by ClinVar (database versions not stated): gnomAD exomes below 0.00001; gnomAD 0.00005; TOPMed 0.00009.
gnomAD v4.1: 12 of 1,176,020 alleles (0.001%); highest among the groups gnomAD compares: African/African-American, 0.016%; no homozygotes.

Submissions (3):

PreventionGenetics, part of Exact Sciences
Classification: Uncertain significance for ROR1-related condition. Last evaluated: 2026-07-28. Review status: criteria provided, single submitter. Criteria: ACMG Guidelines, 2015. Collection method: clinical testing. Allele origin: germline.
Comment: The ROR1 c.16C>A variant is predicted to result in the amino acid substitution p.Arg6Ser. To our knowledge, this variant has not been reported in the literature. This variant is reported in 0.024% of alleles in individuals of African descent in gnomAD. At this time, the clinical significance of this variant is uncertain due to the absence of conclusive functional and genetic evidence.

Labcorp Genetics (formerly Invitae), Labcorp
Classification: Uncertain significance. Last evaluated: 2025-04-08. Review status: criteria provided, single submitter. Criteria: Invitae Variant Classification Sherloc (09022015). Collection method: clinical testing. Allele origin: germline.
Comment: This sequence change replaces arginine, which is basic and polar, with serine, which is neutral and polar, at codon 6 of the ROR1 protein (p.Arg6Ser). This variant is present in population databases (no rsID available, gnomAD 0.04%). This variant has not been reported in the literature in individuals affected with ROR1-related conditions. ClinVar contains an entry for this variant (Variation ID: 2964495). Experimental studies and prediction algorithms are not available or were not evaluated, and the functional significance of this variant is currently unknown. In summary, the available evidence is currently insufficient to determine the role of this variant in disease. Therefore, it has been classified as a Variant of Uncertain Significance.

Ambry Genetics
Classification: Uncertain significance. Last evaluated: 2023-12-28. Review status: criteria provided, single submitter. Criteria: Ambry Variant Classification Scheme 2023. Collection method: clinical testing. Allele origin: germline.